The following is an entry in ClinVar:

NM_004006.3(DMD):c.8958G>A (p.Ala2986=)

Gene: DMD (dystrophin; minus strand). Cytogenetic location: Xp21.2.
Variant type: single nucleotide variant.
Coding change: c.8958G>A on transcript NM_004006.3 (MANE Select); coding-DNA position 8958, G replaced by A.
Protein change: p.Ala2986=; no amino-acid change (alanine 2986 retained).
Molecular consequence: synonymous variant.
Genome position (GRCh38, 1-based): chrX:31,444,607, C>T on the plus strand (G>A on the coding strand, the complement: DMD is on the minus strand). VCF-style: chrX-31444607-C-T. GRCh37 (hg19) VCF-style: chrX-31462724-C-T.
Other names: c.8934G>A, p.Ala2978= (NM_000109.4); c.8946G>A, p.Ala2982= (NM_004009.3); c.8589G>A, p.Ala2863= (NM_004010.3); c.4935G>A, p.Ala1645= (NM_004011.4); c.4926G>A, p.Ala1642= (NM_004012.4); c.1578G>A, p.Ala526= (NM_004013.3, NM_004020.4, NM_004021.3 and 2 more transcripts); c.771G>A, p.Ala257= (NM_004014.3).
Identifiers: ClinVar variation 497555 (VCV000497555.20), dbSNP rs755815057, ClinGen allele CA10377945.

ClinVar aggregate classification (germline): Conflicting classifications of pathogenicity. Review status: criteria provided, conflicting classifications (1 of 4 stars). 5 submissions from 5 submitters: Uncertain significance (1); Benign (1); Likely benign (1). 2 of the submissions do not count toward it. Last evaluated 2025-10-26.

Conditions:
Duchenne muscular dystrophy (DMD). Also called: MUSCULAR DYSTROPHY, PSEUDOHYPERTROPHIC PROGRESSIVE, DUCHENNE TYPE; Duchenne Muscular Dystrophy (DMD). Identifiers: Orphanet 98896, MedGen C0013264, MONDO:0010679, OMIM 310200.
Cardiovascular phenotype. Identifiers: MedGen CN230736.
DMD-related disorder. Also called: DMD-related condition.
Cardiomyopathy (CMYO). Also called: Cardiomyopathies. Identifiers: Orphanet 167848, MedGen C0878544, MONDO:0004994, HP:0001638. Inheritance: Various modes of inheritance.
Becker muscular dystrophy (BMD). Also called: MUSCULAR DYSTROPHY, PSEUDOHYPERTROPHIC PROGRESSIVE, BECKER TYPE; Becker Muscular Dystrophy (BMD). Identifiers: Orphanet 98895, MedGen C0917713, MONDO:0010311, OMIM 300376.
Dystrophin deficiency.

Allele frequency attached by ClinVar (database versions not stated): gnomAD 0.00002 and 0.00003; TOPMed 0.00002; gnomAD exomes 0.00006 and 0.00007; ExAC 0.00007.
gnomAD v4.1: 73 of 1,209,298 alleles (0.006%); highest among the groups gnomAD compares: Middle Eastern, 0.023%; no homozygotes.

Submissions (5):

Labcorp Genetics (formerly Invitae), Labcorp
Classification: Benign for Duchenne muscular dystrophy. Last evaluated: 2025-10-26. Review status: criteria provided, single submitter. Criteria: Invitae Variant Classification Sherloc (09022015). Collection method: clinical testing. Allele origin: germline.

Ambry Genetics
Classification: Likely benign for Cardiovascular phenotype. Last evaluated: 2019-05-24. Review status: criteria provided, single submitter. Criteria: Ambry Variant Classification Scheme 2023. Collection method: clinical testing. Allele origin: germline.

Eurofins Ntd Llc (ga)
Classification: Uncertain significance. Last evaluated: 2016-10-10. Review status: criteria provided, single submitter. Criteria: EGL Classification Definitions 2015. Collection method: clinical testing. Allele origin: germline. Observed: 1 variant allele, 1 hemizygote.

Natera, Inc.
Classification: Likely benign for Becker muscular dystrophy; Cardiomyopathy; Duchenne muscular dystrophy; Dystrophin deficiency. Last evaluated: 2020-05-18. Review status: no assertion criteria provided. Collection method: clinical testing. Allele origin: germline. Not counted in ClinVar's aggregate classification.

PreventionGenetics, part of Exact Sciences
Classification: Likely benign for DMD-related condition. Last evaluated: 2019-03-13. Review status: no assertion criteria provided. Collection method: clinical testing. Allele origin: germline. Not counted in ClinVar's aggregate classification.
Comment: This variant is classified as likely benign based on ACMG/AMP sequence variant interpretation guidelines (Richards et al. 2015 PMID: 25741868, with internal and published modifications).